The following is an entry in ClinVar:

NM_021954.4(GJA3):c.*3166C>T

Gene: GJA3 (gap junction protein alpha 3; minus strand). Cytogenetic location: 13q12.11.
Variant type: single nucleotide variant.
Coding change: c.*3166C>T on transcript NM_021954.4 (MANE Select); 3166 bases downstream of the stop codon, C replaced by T.
Molecular consequence: 3 prime UTR variant.
Genome position (GRCh38, 1-based): chr13:20,138,815, G>A on the plus strand (C>T on the coding strand, the complement: GJA3 is on the minus strand). VCF-style: chr13-20138815-G-A. GRCh37 (hg19) VCF-style: chr13-20712954-G-A.
Identifiers: ClinVar variation 311287 (VCV000311287.6), dbSNP rs74035923, ClinGen allele CA10643874.

ClinVar aggregate classification (germline): Benign. Review status: criteria provided, multiple submitters, no conflicts (2 of 4 stars). 2 submissions from 2 submitters: Benign (2). Last evaluated 2018-01-12.

Conditions:
Cataract 14 multiple types. Also called: CATARACT 14, ZONULAR PULVERULENT; CATARACT 14, NUCLEAR PULVERULENT; CATARACT 14, NUCLEAR PULVERULENT AND POSTERIOR POLAR; CATARACT 14, NUCLEAR CORALLIFORM; CATARACT 14, EMBRYONAL NUCLEAR; CATARACT 14, COPPOCK-LIKE. Identifiers: Orphanet 91492, MedGen C1866078, MONDO:0011162, OMIM 601885.

Allele frequency attached by ClinVar (database versions not stated): TOPMed 0.02640; 1000 Genomes Project 30x 0.02186; gnomAD 0.02351 and 0.02141; 1000 Genomes Project 0.02057.

Submissions (2):

Illumina Laboratory Services, Illumina
Classification: Benign for Cataract 14 multiple types. Last evaluated: 2018-01-12. Review status: criteria provided, single submitter. Criteria: ICSL Variant Classification Criteria 13 December 2019. Collection method: clinical testing. Allele origin: germline.
Comment: This variant was observed in the ICSL laboratory as part of a predisposition screen in an ostensibly healthy population. It had not been previously curated by ICSL or reported in the Human Gene Mutation Database (HGMD: prior to June 1st, 2018), and was therefore a candidate for classification through an automated scoring system. Utilizing variant allele frequency, disease prevalence and penetrance estimates, and inheritance mode, an automated score was calculated to assess if this variant is too frequent to cause the disease. Based on the score and internal cut-off values, a variant classified as benign is not then subjected to further curation. The score for this variant resulted in a classification of benign for this disease.

Breakthrough Genomics
Classification: Benign. Review status: criteria provided, single submitter. Criteria: ACMG Guidelines, 2015. Collection method: not provided. Allele origin: germline. Inheritance: Autosomal dominant inheritance. Affected: yes.